The following is an entry in ClinVar:

NM_001903.5(CTNNA1):c.1973_1976dup (p.Glu659fs)

Gene: CTNNA1 (catenin alpha 1; plus strand). Cytogenetic location: 5q31.2.
Variant type: Microsatellite.
Coding change: c.1973_1976dup on transcript NM_001903.5 (MANE Select); coding-DNA positions 1973 to 1976, 4 bases duplicated (CAGA; older notation c.1973_1976dupCAGA).
Protein change: p.Glu659fs; shifts the reading frame from glutamic acid 659.
Molecular consequence: frameshift variant.
Genome position (GRCh38, 1-based): chr5:138,929,319-138,929,322, CAGA duplicated; duplicating any 4 consecutive bases within chr5:138,929,315-138,929,322 gives the same sequence; the c. name uses the placement nearest the transcript's 3' end. VCF-style (leftmost placement, unchanged base first): chr5-138929314-C-CCAGA. GRCh37 (hg19) VCF-style: chr5-138265003-C-CCAGA.
Other names: c.770_773dup, p.Glu258fs (NM_001324011.1); c.620_623dup, p.Glu208fs (NM_001324012.1, NM_001324013.1); c.863_866dup, p.Glu289fs (NM_001323994.1, NM_001323995.1, NM_001323996.1 and 17 more transcripts); c.524_527dup, p.Glu176fs (NM_001324006.1, NM_001324007.1, NM_001324008.1 and 2 more transcripts); c.1973_1976dup, p.Glu659fs (NM_001290307.3, NM_001323982.2, NM_001323983.1 and 2 more transcripts); c.1664_1667dup, p.Glu556fs (NM_001290309.3); c.1604_1607dup, p.Glu536fs (NM_001290310.3); c.1880_1883dup, p.Glu628fs (NM_001323986.2); short protein forms E176fs, E208fs, E258fs, E289fs, E536fs, E556fs, E628fs, E659fs.
Identifiers: ClinVar variation 4294268 (VCV004294268.1).

ClinVar aggregate classification (germline): Likely pathogenic (1 of 4 stars; one submission).

Conditions:
Hereditary diffuse gastric adenocarcinoma (HDGC). Also called: DIFFUSE GASTRIC AND LOBULAR BREAST CANCER SYNDROME. Identifiers: Orphanet 26106, MedGen C1708349, MONDO:0007648, OMIM 137215.

Submission:

Myriad Genetics, Inc.
Classification: Likely pathogenic for Hereditary diffuse gastric adenocarcinoma. Last evaluated: 2025-09-11. Review status: criteria provided, single submitter. Criteria: Myriad Autosomal Dominant, Autosomal Recessive and X-Linked Classification Criteria (2023). Collection method: clinical testing. Allele origin: unknown.
Comment: This variant is considered likely pathogenic. This variant creates a frameshift predicted to result in premature protein truncation.